The following is an entry in ClinVar:

NM_003640.5(ELP1):c.2363+159G>T

Gene: ELP1 (elongator acetyltransferase complex subunit 1; minus strand). Cytogenetic location: 9q31.3.
Variant type: single nucleotide variant.
Coding change: c.2363+159G>T on transcript NM_003640.5 (MANE Select); 159 bases into the intron after coding-DNA position 2363, G replaced by T.
Molecular consequence: intron variant.
Genome position (GRCh38, 1-based): chr9:108,898,343, C>A on the plus strand (G>T on the coding strand, the complement: ELP1 is on the minus strand). VCF-style: chr9-108898343-C-A. GRCh37 (hg19) VCF-style: chr9-111660623-C-A.
Other names: c.2021+159G>T (NM_001318360.2); c.1316+159G>T (NM_001330749.2).
Identifiers: ClinVar variation 681913 (VCV000681913.1), dbSNP rs2275628, ClinGen allele CA16371447.

ClinVar aggregate classification (germline): Benign (1 of 4 stars; one submission).

Allele frequency attached by ClinVar (database versions not stated): TOPMed 0.27109; 1000 Genomes Project 0.28854; 1000 Genomes Project 30x 0.29403.
gnomAD v4.1: 39,384 of 151,894 alleles (26%); highest among the groups gnomAD compares: African/African-American, 41%; 5,953 homozygotes.

Submission:

GeneDx
Classification: Benign. Last evaluated: 2018-06-19. Review status: criteria provided, single submitter. Criteria: GeneDx Variant Classification (06012015). Collection method: clinical testing. Allele origin: germline. Affected: yes.
Comment: This variant is considered likely benign or benign based on one or more of the following criteria: it is a conservative change, it occurs at a poorly conserved position in the protein, it is predicted to be benign by multiple in silico algorithms, and/or has population frequency not consistent with disease.